The following is an entry in ClinVar:

NM_012213.3(MLYCD):c.1174C>T (p.Arg392Trp)

Gene: MLYCD (malonyl-CoA decarboxylase; plus strand). Cytogenetic location: 16q23.3.
Variant type: single nucleotide variant.
Coding change: c.1174C>T on transcript NM_012213.3 (MANE Select); coding-DNA position 1174, C replaced by T.
Protein change: p.Arg392Trp; replaces arginine 392 with tryptophan.
Molecular consequence: missense variant.
Genome position (GRCh38, 1-based): chr16:83,915,181, C>T. VCF-style: chr16-83915181-C-T. GRCh37 (hg19) VCF-style: chr16-83948786-C-T.
Other names: short protein forms R392W.
Identifiers: ClinVar variation 967309 (VCV000967309.8), dbSNP rs530627828, ClinGen allele CA8197530.

ClinVar aggregate classification (germline): Uncertain significance. Review status: criteria provided, multiple submitters, no conflicts (2 of 4 stars). 2 submissions from 2 submitters: Uncertain significance (2). Last evaluated 2025-12-03.

Conditions:
Inborn genetic diseases. Identifiers: MedGen C0950123, MeSH D030342.
Deficiency of malonyl-CoA decarboxylase. Also called: Malonic aciduria; MCD deficiency. Identifiers: Orphanet 943, MedGen C0342793, MONDO:0009556, OMIM 248360.

Allele frequency attached by ClinVar (database versions not stated): 1000 Genomes Project below 0.00001; gnomAD exomes 0.00005; ExAC 0.00006; gnomAD 0.00006; TOPMed 0.00009.

Submissions (2):

Ambry Genetics
Classification: Uncertain significance for Inborn genetic diseases. Last evaluated: 2025-12-03. Review status: criteria provided, single submitter. Criteria: Ambry Variant Classification Scheme 2023. Collection method: clinical testing. Allele origin: germline.

Labcorp Genetics (formerly Invitae), Labcorp
Classification: Uncertain significance for Deficiency of malonyl-CoA decarboxylase. Last evaluated: 2021-08-27. Review status: criteria provided, single submitter. Criteria: Invitae Variant Classification Sherloc (09022015). Collection method: clinical testing. Allele origin: germline.
Comment: This sequence change replaces arginine with tryptophan at codon 392 of the MLYCD protein (p.Arg392Trp). The arginine residue is moderately conserved and there is a moderate physicochemical difference between arginine and tryptophan. This variant is present in population databases (rs530627828, ExAC 0.04%). This variant has not been reported in the literature in individuals affected with MLYCD-related conditions. Algorithms developed to predict the effect of missense changes on protein structure and function are either unavailable or do not agree on the potential impact of this missense change (SIFT: "Deleterious"; PolyPhen-2: "Possibly Damaging"; Align-GVGD: "Class C15"). In summary, the available evidence is currently insufficient to determine the role of this variant in disease. Therefore, it has been classified as a Variant of Uncertain Significance.